The following is an entry in ClinVar:

NM_007294.4(BRCA1):c.2260G>T (p.Gly754Ter)

Gene: BRCA1 (BRCA1 DNA repair associated; minus strand). Cytogenetic location: 17q21.31.
Variant type: single nucleotide variant.
Coding change: c.2260G>T on transcript NM_007294.4 (MANE Select); coding-DNA position 2260, G replaced by T.
Protein change: p.Gly754Ter; replaces glycine 754 with a stop codon.
Molecular consequence: nonsense. On other transcripts: intron variant (137).
Genome position (GRCh38, 1-based): chr17:43,093,271, C>A on the plus strand (G>T on the coding strand, the complement: BRCA1 is on the minus strand). VCF-style: chr17-43093271-C-A. GRCh37 (hg19) VCF-style: chr17-41245288-C-A.
Other names: c.523+1473G>T (NM_001408499.1, NM_001408498.1, NM_001408501.1 and 3 more transcripts); c.671-2239G>T (NM_001408422.1, NM_001408423.1, NM_001408420.1 and 2 more transcripts); c.2260G>T, p.Gly754Ter (NM_001407684.1, NM_007300.4, NM_001407581.1 and 30 more transcripts); c.2134G>T, p.Gly712Ter (NM_001407685.1, NM_001407686.1, NM_001407687.1 and 11 more transcripts); c.706+1473G>T (NM_001408416.1, NM_001408413.1); c.2119G>T, p.Gly707Ter (NM_001407692.1, NM_001407694.1, NM_001407695.1 and 29 more transcripts); c.664+1473G>T (NM_001408440.1, NM_001408428.1, NM_001408436.1 and 12 more transcripts); c.661+1473G>T (NM_001408434.1, NM_001408450.1, NM_001408446.1 and 6 more transcripts); and 41 more; short protein forms G707*, G754*, G586*, G642*, G683*, G687*, G712*, G627*.
Identifiers: ClinVar variation 919467 (VCV000919467.6), dbSNP rs2053792392, ClinGen allele CA10597477.

ClinVar aggregate classification (germline): Pathogenic. Review status: criteria provided, multiple submitters, no conflicts (2 of 4 stars). 2 submissions from 2 submitters: Pathogenic (2). Last evaluated 2020-05-01.

Conditions:
Hereditary cancer-predisposing syndrome. Also called: Neoplastic Syndromes, Hereditary; Tumor predisposition; Hereditary Cancer Syndrome; Hereditary neoplastic syndrome. Identifiers: Orphanet 140162, MedGen C0027672, MeSH D009386, MONDO:0015356.

Submissions (2):

Color Diagnostics, LLC DBA Color Health
Classification: Pathogenic for Hereditary cancer-predisposing syndrome. Last evaluated: 2020-05-01. Review status: criteria provided, single submitter. Criteria: ACMG Guidelines, 2015. Collection method: clinical testing. Allele origin: germline.
Comment: This variant changes 1 nucleotide in exon 10 of the BRCA1 gene, creating a premature translation stop signal. This variant is expected to result in an absent or non-functional protein product. To our knowledge, this variant has not been reported in individuals affected with hereditary cancer in the literature. This variant has not been identified in the general population by the Genome Aggregation Database (gnomAD). Loss of BRCA1 function is a known mechanism of disease. Based on the available evidence, this variant is classified as Pathogenic.

Ambry Genetics
Classification: Pathogenic for Hereditary cancer-predisposing syndrome. Last evaluated: 2019-09-17. Review status: criteria provided, single submitter. Criteria: Ambry Variant Classification Scheme 2023. Collection method: clinical testing. Allele origin: germline.
Comment: The p.G754* pathogenic mutation (also known as c.2260G>T), located in coding exon 9 of the BRCA1 gene, results from a G to T substitution at nucleotide position 2260. This changes the amino acid from a glycine to a stop codon within coding exon 9. This alteration is expected to result in loss of function by premature protein truncation or nonsense-mediated mRNA decay. As such, this alteration is interpreted as a disease-causing mutation.